The following is an entry in ClinVar:

NM_003019.5(SFTPD):c.883G>A (p.Ala295Thr)

Gene: SFTPD (surfactant protein D; minus strand). Cytogenetic location: 10q22.3.
Variant type: single nucleotide variant.
Coding change: c.883G>A on transcript NM_003019.5 (MANE Select); coding-DNA position 883, G replaced by A.
Protein change: p.Ala295Thr; replaces alanine 295 with threonine.
Molecular consequence: missense variant.
Genome position (GRCh38, 1-based): chr10:79,938,097, C>T on the plus strand (G>A on the coding strand, the complement: SFTPD is on the minus strand). VCF-style: chr10-79938097-C-T. GRCh37 (hg19) VCF-style: chr10-81697853-C-T.
Other names: short protein forms A295T.
Identifiers: ClinVar variation 504740 (VCV000504740.5), dbSNP rs369866808, ClinGen allele CA5575022.

ClinVar aggregate classification (germline): Uncertain significance (1 of 4 stars; one submission).

Allele frequency attached by ClinVar (database versions not stated): TOPMed below 0.00001; gnomAD exomes 0.00002 and 0.00003; ExAC 0.00003; ESP Exome Variant Server 0.00008; 1000 Genomes Project 0.00020.

Submission:

Laboratory for Molecular Medicine, Mass General Brigham Personalized Medicine
Classification: Uncertain significance. Last evaluated: 2017-10-11. Review status: criteria provided, single submitter. Criteria: LMM Criteria. Collection method: clinical testing. Allele origin: germline. Observed: 1 variant allele.
Comment: The p.Ala295Thr variant in SFTPD has not been previously reported in individuals with surfactant dysfunction, but has been identified in 2/30782 of South Asian chromosomes and 3/111682 European chromosomes by the Genome Aggregation Database (gnomAD; dbSNP rs369866808). Computational pr ediction tools and conservation analysis suggest that the p.Ala295Thr variant ma y not impact the protein, though this information is not predictive enough to ru le out pathogenicity. In summary, the clinical significance of the p.Ala295Thr v ariant is uncertain. ACMG/AMP Criteria applied: BP4 (Richards 2015).